The following is an entry in ClinVar:

NC_012920.1(MT-TW):m.5568A>G

Gene: MT-TW (mitochondrially encoded tRNA tryptophan; plus strand).
Variant type: single nucleotide variant.
Genome position: chrM-5568-A-G.
Identifiers: ClinVar variation 689946 (VCV000689946.1), dbSNP rs200719361, ClinGen allele CA337097176.

ClinVar aggregate classification (germline): Benign (1 of 4 stars; one submission).

Conditions:
MELAS syndrome (MELAS). Also called: Juvenile myopathy, encephalopathy, lactic acidosis, stroke. Identifiers: Orphanet 550, MedGen C0162671, MONDO:0010789, OMIM 540000.

Submission:

Wong Mito Lab, Molecular and Human Genetics, Baylor College of Medicine
Classification: Benign for MELAS syndrome. Last evaluated: 2019-07-12. Review status: criteria provided, single submitter. Criteria: Modified ACMG Guidelines (Unpublished). Collection method: clinical testing. Allele origin: germline.
Comment: The NC_012920.1:m.5568A>G variant in MT-TW gene is interpreted to be a Benign variant based on the modified ACMG guidelines (unpublished). This variant meets the following evidence codes reported in the guidelines: BS1, BS2, BP4

Literature cited by the submitters: PubMed 31965079.